The following is an entry in ClinVar:

NM_001368067.1(LDB3):c.780C>G (p.Asn260Lys)

Gene: LDB3 (LIM domain binding 3; plus strand). Cytogenetic location: 10q23.2.
Variant type: single nucleotide variant.
Coding change: c.780C>G on transcript NM_001368067.1 (MANE Plus Clinical); coding-DNA position 780, C replaced by G.
Protein change: p.Asn260Lys; replaces asparagine 260 with lysine.
Molecular consequence: missense variant. On other transcripts: intron variant (6).
Genome position (GRCh38, 1-based): chr10:86,699,302, C>G. VCF-style: chr10-86699302-C-G. GRCh37 (hg19) VCF-style: chr10-88459059-C-G.
Other names: c.921C>G, p.Asn307Lys (NM_001080115.2, NM_001368063.1); c.896+6731C>G (NM_007078.3, NM_001368064.1, NM_001368065.1); c.780C>G, p.Asn260Lys (NM_001368068.1, NM_001080116.1); c.1100+6731C>G (NM_001171610.2); c.1125C>G, p.Asn375Lys (NM_001171611.2); c.755+6731C>G (NM_001368066.1, NM_001080114.2); short protein forms N375K, N260K, N307K.
Identifiers: ClinVar variation 4730273 (VCV004730273.1).

ClinVar aggregate classification (germline): Uncertain significance (1 of 4 stars; one submission).

Conditions:
Myofibrillar myopathy 4. Also called: Zaspopathy (type). Identifiers: Orphanet 98912, MedGen C4721886, MONDO:0012277, OMIM 609452.

gnomAD v4.1: 1 of 1,613,730 alleles (0.000062%); highest among the groups gnomAD compares: Admixed American, 0.0017%; no homozygotes.

Submission:

Labcorp Genetics (formerly Invitae), Labcorp
Classification: Uncertain significance for Myofibrillar myopathy 4. Last evaluated: 2026-02-01. Review status: criteria provided, single submitter. Criteria: Invitae Variant Classification Sherloc (09022015). Collection method: clinical testing. Allele origin: germline.
Comment: This sequence change replaces asparagine, which is neutral and polar, with lysine, which is basic and polar, at codon 260 of the LDB3 protein (p.Asn260Lys). This variant is present in population databases (rs372789789, gnomAD 0.003%). This variant has not been reported in the literature in individuals affected with LDB3-related conditions. An algorithm developed to predict the effect of missense changes on protein structure and function (PolyPhen-2) suggests that this variant is likely to be tolerated. In summary, the available evidence is currently insufficient to determine the role of this variant in disease. Therefore, it has been classified as a Variant of Uncertain Significance.